The following is an entry in ClinVar:

ClinVar aggregate classification (germline): Conflicting classifications of pathogenicity. Review status: criteria provided, conflicting classifications (1 of 4 stars). 2 submissions from 2 submitters: Pathogenic (1); Uncertain significance (1). Last evaluated 2026-02-01.

Allele frequency attached by ClinVar (database versions not stated): TOPMed below 0.00001; gnomAD 0.00001.
gnomAD v4.1: 1 of 1,614,060 alleles (0.000062%); highest among the groups gnomAD compares: African/African-American, 0.0013%; no homozygotes.

Submissions (2):

Labcorp Genetics (formerly Invitae), Labcorp
Classification: Pathogenic. Last evaluated: 2026-02-01. Review status: criteria provided, single submitter. Criteria: Invitae Variant Classification Sherloc (09022015). Collection method: clinical testing. Allele origin: germline.
Comment: This sequence change replaces valine, which is neutral and non-polar, with glutamic acid, which is acidic and polar, at codon 1020 of the ABCA4 protein (p.Val1020Glu). This variant is not present in population databases (gnomAD no frequency). This missense change has been observed in individual(s) with clinical features of Stargardt disease (internal data). ClinVar contains an entry for this variant (Variation ID: 866346). Invitae Evidence Modeling of protein sequence and biophysical properties (such as structural, functional, and spatial information, amino acid conservation, physicochemical variation, residue mobility, and thermodynamic stability) indicates that this missense variant is expected to disrupt ABCA4 protein function with a positive predictive value of 95%. For these reasons, this variant has been classified as Pathogenic.

Blueprint Genetics
Classification: Uncertain significance. Last evaluated: 2022-03-23. Review status: criteria provided, single submitter. Criteria: ACMG Guidelines, 2015. Collection method: clinical testing. Allele origin: germline.

NM_000350.3(ABCA4):c.3059T>A (p.Val1020Glu)

Gene: ABCA4 (ATP binding cassette subfamily A member 4; minus strand). Cytogenetic location: 1p22.1.
Variant type: single nucleotide variant.
Coding change: c.3059T>A on transcript NM_000350.3 (MANE Select); coding-DNA position 3059, T replaced by A.
Protein change: p.Val1020Glu; replaces valine 1020 with glutamic acid.
Molecular consequence: missense variant.
Genome position (GRCh38, 1-based): chr1:94,043,467, A>T on the plus strand (T>A on the coding strand, the complement: ABCA4 is on the minus strand). VCF-style: chr1-94043467-A-T. GRCh37 (hg19) VCF-style: chr1-94509023-A-T.
Other names: c.2837T>A, p.Val946Glu (NM_001425324.1); short protein forms V1020E, V946E.
Identifiers: ClinVar variation 866346 (VCV000866346.11), dbSNP rs112300381, ClinGen allele CA341292703.